The following is an entry in ClinVar:

NM_004738.5(VAPB):c.*3725T>C

Gene: VAPB (VAMP associated protein B and C; plus strand). Cytogenetic location: 20q13.32.
Variant type: single nucleotide variant.
Coding change: c.*3725T>C on transcript NM_004738.5 (MANE Select); 3725 bases downstream of the stop codon, T replaced by C.
Molecular consequence: 3 prime UTR variant. On other transcripts: non-coding transcript variant (1).
Genome position (GRCh38, 1-based): chr20:58,447,960, T>C. VCF-style: chr20-58447960-T-C. GRCh37 (hg19) VCF-style: chr20-57023016-T-C.
Other names: c.*3795T>C (NM_001195677.2).
Identifiers: ClinVar variation 338979 (VCV000338979.6), dbSNP rs574293455, ClinGen allele CA9924551.

ClinVar aggregate classification (germline): Likely benign. Review status: criteria provided, single submitter (1 of 4 stars). 2 submissions from 1 submitter: Likely benign (2). Last evaluated 2018-01-12.

Conditions:
Adult-onset proximal spinal muscular atrophy, autosomal dominant. Also called: FINKEL LATE-ADULT TYPE SMA; Spinal muscular atrophy, late-onset, finkel type. Identifiers: Orphanet 209335, MedGen C1854058, MONDO:0008453, OMIM 182980.
Amyotrophic lateral sclerosis type 8 (ALS8). Identifiers: Orphanet 803, MedGen C1837728, MONDO:0012077, OMIM 608627.

Allele frequency attached by ClinVar (database versions not stated): 1000 Genomes Project 30x 0.00078; 1000 Genomes Project 0.00080; gnomAD 0.00083 and 0.00091; gnomAD exomes 0.00101 and 0.00122; ExAC 0.00102; TOPMed 0.00120.
gnomAD v4.1: 470 of 454,038 alleles (0.1%); highest among the groups gnomAD compares: Middle Eastern, 1.2%; 6 homozygotes.

Submissions (2):

Illumina Laboratory Services, Illumina
Classification: Likely benign for Amyotrophic lateral sclerosis type 8. Last evaluated: 2018-01-12. Review status: criteria provided, single submitter. Criteria: ICSL Variant Classification Criteria 13 December 2019. Collection method: clinical testing. Allele origin: germline.
Comment: This variant was observed in the ICSL laboratory as part of a predisposition screen in an ostensibly healthy population. It had not been previously curated by ICSL or reported in the Human Gene Mutation Database (HGMD: prior to June 1st, 2018), and was therefore a candidate for classification through an automated scoring system. Utilizing variant allele frequency, disease prevalence and penetrance estimates, and inheritance mode, an automated score was calculated to assess if this variant is too frequent to cause the disease. Based on the score and internal cut-off values, a variant classified as likely benign is not then subjected to further curation. The score for this variant resulted in a classification of likely benign for this disease.

Illumina Laboratory Services, Illumina
Classification: Likely benign for Adult-onset proximal spinal muscular atrophy, autosomal dominant. Last evaluated: 2018-01-12. Review status: criteria provided, single submitter. Criteria: ICSL Variant Classification Criteria 13 December 2019. Collection method: clinical testing. Allele origin: germline.
Comment: the same text as in the submission from Illumina Laboratory Services, Illumina above.